The following is an entry in ClinVar:

ClinVar aggregate classification (germline): Pathogenic. Review status: criteria provided, multiple submitters, no conflicts (2 of 4 stars). 2 submissions from 2 submitters: Pathogenic (2). Last evaluated 2023-11-18.

Conditions:
Hereditary cancer-predisposing syndrome. Also called: Neoplastic Syndromes, Hereditary; Tumor predisposition; Hereditary Cancer Syndrome; Hereditary neoplastic syndrome. Identifiers: Orphanet 140162, MedGen C0027672, MeSH D009386, MONDO:0015356.
Familial cancer of breast. Also called: BREAST CANCER, FAMILIAL; Hereditary breast cancer; hereditary breast carcinoma. Identifiers: Orphanet 227535, MedGen C0346153, MONDO:0016419, OMIM 114480. Disease mechanism: loss of function.

Submissions (2):

Labcorp Genetics (formerly Invitae), Labcorp
Classification: Pathogenic for Familial cancer of breast. Last evaluated: 2023-11-18. Review status: criteria provided, single submitter. Criteria: Invitae Variant Classification Sherloc (09022015). Collection method: clinical testing. Allele origin: germline.
Comment: This sequence change creates a premature translational stop signal (p.Ser299Tyrfs*3) in the PALB2 gene. It is expected to result in an absent or disrupted protein product. Loss-of-function variants in PALB2 are known to be pathogenic (PMID: 17200668, 17200671, 17200672, 24136930, 25099575). This variant is not present in population databases (gnomAD no frequency). This variant has not been reported in the literature in individuals affected with PALB2-related conditions. ClinVar contains an entry for this variant (Variation ID: 921123). For these reasons, this variant has been classified as Pathogenic.

Color Diagnostics, LLC DBA Color Health
Classification: Pathogenic for Hereditary cancer-predisposing syndrome. Last evaluated: 2022-03-14. Review status: criteria provided, single submitter. Criteria: ACMG Guidelines, 2015. Collection method: clinical testing. Allele origin: germline.
Comment: This variant deletes 2 nucleotides in exon 4 of the PALB2 gene, creating a frameshift and premature translation stop signal. This variant is expected to result in an absent or non-functional protein product. To our knowledge, this variant has not been reported in individuals affected with hereditary cancer in the literature. This variant has not been identified in the general population by the Genome Aggregation Database (gnomAD). Loss of PALB2 function is a known mechanism of disease. Based on the available evidence, this variant is classified as Pathogenic.

Literature cited by the submitters: PubMed 17200668 (cited by Labcorp Genetics (formerly Invitae), Labcorp); PubMed 17200671 (cited by Labcorp Genetics (formerly Invitae), Labcorp); PubMed 17200672 (cited by Labcorp Genetics (formerly Invitae), Labcorp); PubMed 24136930 (cited by Labcorp Genetics (formerly Invitae), Labcorp); PubMed 25099575 (cited by Labcorp Genetics (formerly Invitae), Labcorp).

NM_024675.4(PALB2):c.896_897del (p.Ser299fs)

Gene: PALB2 (partner and localizer of BRCA2; minus strand). Cytogenetic location: 16p12.2.
Variant type: Microsatellite.
Coding change: c.896_897del on transcript NM_024675.4 (MANE Select); coding-DNA positions 896 to 897, 2 bases deleted (CT; older notation c.896_897delCT).
Protein change: p.Ser299fs; shifts the reading frame from serine 299.
Molecular consequence: frameshift variant.
Genome position (GRCh38, 1-based): chr16:23,635,649-23,635,650, AG deleted on the plus strand (CT on the coding strand, the reverse complement: PALB2 is on the minus strand); deleting any 2 consecutive bases within chr16:23,635,649-23,635,653 gives the same sequence; the c. name uses the placement nearest the transcript's 3' end. VCF-style (leftmost placement, unchanged base first): chr16-23635648-TAG-T. GRCh37 (hg19) VCF-style: chr16-23646969-TAG-T.
Other names: short protein forms S299fs.
Identifiers: ClinVar variation 921123 (VCV000921123.13), dbSNP rs1967011347, ClinGen allele CA913188813.
Genomic context (GRCh38, chr16:23,635,648, plus strand): 5'-TAGAACTTGTGGGCAGTTGGCCACTTTTACTTATAGCTTTATTTACAAGGAGGTTATCTG[TAG>T]AGACAGTCATTTTTTTGCCTTGTGCCTCCAAACTTACAGGTGAAGTAAATCTAATGTTTT-3'